The following is an entry in ClinVar:

NM_000448.3(RAG1):c.712A>G (p.Thr238Ala)

Gene: RAG1 (recombination activating 1; plus strand). Cytogenetic location: 11p12.
Variant type: single nucleotide variant.
Coding change: c.712A>G on transcript NM_000448.3 (MANE Select); coding-DNA position 712, A replaced by G.
Protein change: p.Thr238Ala; replaces threonine 238 with alanine.
Molecular consequence: missense variant.
Genome position (GRCh38, 1-based): chr11:36,574,016, A>G. VCF-style: chr11-36574016-A-G. GRCh37 (hg19) VCF-style: chr11-36595566-A-G.
Other names: c.712A>G, p.Thr238Ala (NM_001377277.1, NM_001377278.1, NM_001377279.1 and 1 more transcripts); short protein forms T238A.
Identifiers: ClinVar variation 1345693 (VCV001345693.6), dbSNP rs1850793100, ClinGen allele CA380149411.

ClinVar aggregate classification (germline): Uncertain significance (1 of 4 stars; one submission).

Conditions:
Combined immunodeficiency with skin granulomas. Identifiers: Orphanet 157949, MedGen C2673536, MONDO:0009306, OMIM 233650.
Severe combined immunodeficiency, autosomal recessive, T cell-negative, B cell-negative, NK cell-positive. Also called: SCID, T CELL-NEGATIVE, B CELL-NEGATIVE, NK CELL-POSITIVE; SCID, AR, T-cell negative, B-cell negative, NK cell-positive; Severe combined immunodeficiency due to complete RAG1/2 deficiency. Identifiers: Orphanet 331206, MedGen C1832322, MONDO:0011086, OMIM 601457.

Allele frequency attached by ClinVar (database versions not stated): gnomAD exomes below 0.00001; gnomAD 0.00001.
gnomAD v4.1: 2 of 1,613,916 alleles (0.00012%); highest among the groups gnomAD compares: Non-Finnish European, 0.000085%; no homozygotes.

Submission:

Labcorp Genetics (formerly Invitae), Labcorp
Classification: Uncertain significance for Combined immunodeficiency with skin granulomas; Severe combined immunodeficiency, autosomal recessive, T cell-negative, B cell-negative, NK cell-positive. Last evaluated: 2022-06-05. Review status: criteria provided, single submitter. Criteria: Invitae Variant Classification Sherloc (09022015). Collection method: clinical testing. Allele origin: germline.
Comment: In summary, the available evidence is currently insufficient to determine the role of this variant in disease. Therefore, it has been classified as a Variant of Uncertain Significance. Advanced modeling of protein sequence and biophysical properties (such as structural, functional, and spatial information, amino acid conservation, physicochemical variation, residue mobility, and thermodynamic stability) performed at Invitae indicates that this missense variant is not expected to disrupt RAG1 protein function. ClinVar contains an entry for this variant (Variation ID: 1345693). This variant has not been reported in the literature in individuals affected with RAG1-related conditions. This variant is not present in population databases (gnomAD no frequency). This sequence change replaces threonine, which is neutral and polar, with alanine, which is neutral and non-polar, at codon 238 of the RAG1 protein (p.Thr238Ala).